The following is an entry in ClinVar:

NM_014476.6(PDLIM3):c.1074C>A (p.Val358=)

Gene: PDLIM3 (PDZ and LIM domain 3; minus strand). Cytogenetic location: 4q35.1.
Variant type: single nucleotide variant.
Coding change: c.1074C>A on transcript NM_014476.6 (MANE Select); coding-DNA position 1074, C replaced by A.
Protein change: p.Val358=; no amino-acid change (valine 358 retained).
Molecular consequence: synonymous variant. On other transcripts: non-coding transcript variant (1).
Genome position (GRCh38, 1-based): chr4:185,502,315, G>T on the plus strand (C>A on the coding strand, the complement: PDLIM3 is on the minus strand). VCF-style: chr4-185502315-G-T. GRCh37 (hg19) VCF-style: chr4-186423469-G-T.
Other names: p.V358V:GTC>GTA; c.930C>A, p.Val310= (NM_001114107.5); c.810C>A, p.Val270= (NM_001257962.2); c.573C>A, p.Val191= (NM_001257963.2).
Identifiers: ClinVar variation 201949 (VCV000201949.1), dbSNP rs794729095, ClinGen allele CA335477.

ClinVar aggregate classification (germline): Likely benign (1 of 4 stars; one submission).

Submission:

GeneDx
Classification: Likely benign. Last evaluated: 2014-04-30. Review status: criteria provided, single submitter. Criteria: GeneDx Variant Classification (06012015). Collection method: clinical testing. Allele origin: germline. Affected: yes.
Comment: This variant is considered likely benign or benign based on one or more of the following criteria: it is a conservative change, it occurs at a poorly conserved position in the protein, it is predicted to be benign by multiple in silico algorithms, and/or has population frequency not consistent with disease.